The following is an entry in ClinVar:

NC_000023.11:g.(?_22168312)_(22274269_?)del

Genes: CBLL2 (Cbl proto-oncogene like 2; plus strand), PHEX (phosphate regulating endopeptidase X-linked; plus strand). Cytogenetic location: Xp22.11.
Variant type: Deletion.
Identifiers: ClinVar variation 830979 (VCV000830979.1).

ClinVar aggregate classification (germline): Pathogenic (1 of 4 stars; one submission).

Submission:

Labcorp Genetics (formerly Invitae), Labcorp
Classification: Pathogenic. Last evaluated: 2019-04-05. Review status: criteria provided, single submitter. Criteria: Invitae Variant Classification Sherloc (09022015). Collection method: clinical testing. Allele origin: germline.
Comment: This variant is a gross deletion of the genomic region encompassing exons 13-22 of the PHEX gene. The 5' boundary is likely confined to intron 12. The 3' end of this event is unknown as it extends through the termination codon beyond the assayed region for this gene and may encompass additional genes. While this deletion is not anticipated to result in nonsense mediated decay, it is expected to create a truncated protein product or disrupt mRNA translation. Sub-genic deletion of exon 22 has been determined to be pathogenic (PMID: 19513579). Therefore, deletions that fully encompass that region are also expected to be pathogenic. For these reasons, this variant has been classified as Pathogenic.

Literature cited by the submitters: PubMed 19513579.